The following is an entry in ClinVar:

NM_006005.3(WFS1):c.122C>A (p.Pro41His)

Gene: WFS1 (wolframin ER transmembrane glycoprotein; plus strand). Cytogenetic location: 4p16.1.
Variant type: single nucleotide variant.
Coding change: c.122C>A on transcript NM_006005.3 (MANE Select); coding-DNA position 122, C replaced by A.
Protein change: p.Pro41His; replaces proline 41 with histidine.
Molecular consequence: missense variant.
Genome position (GRCh38, 1-based): chr4:6,277,577, C>A. VCF-style: chr4-6277577-C-A. GRCh37 (hg19) VCF-style: chr4-6279304-C-A.
Other names: c.122C>A, p.Pro41His (NM_001145853.1); short protein forms P41H.
Identifiers: ClinVar variation 2883603 (VCV002883603.4), dbSNP rs1483562169, ClinGen allele CA356169687.

ClinVar aggregate classification (germline): Uncertain significance. Review status: criteria provided, multiple submitters, no conflicts (2 of 4 stars). 2 submissions from 2 submitters: Uncertain significance (2). Last evaluated 2024-04-02.

Conditions:
Wolfram-like syndrome. Also called: HEARING LOSS, PROGRESSIVE, WITH OPTIC ATROPHY AND/OR IMPAIRED GLUCOSE REGULATION. Identifiers: Orphanet 411590, MedGen C3280358, MONDO:0013673, OMIM 614296.
Cataract 41 (CTRCT41). Also called: CATARACT 41, CONGENITAL NUCLEAR TYPE. Identifiers: Orphanet 91492, Orphanet 98991, Orphanet 98992, Orphanet 98995, MedGen C3805412, MONDO:0007287, OMIM 116400.
Autosomal dominant nonsyndromic hearing loss 6 (LFSNHL). Also called: DEAFNESS, AUTOSOMAL DOMINANT 6; DEAFNESS, AUTOSOMAL DOMINANT 14; DEAFNESS, AUTOSOMAL DOMINANT 38; Autosomal dominant nonsyndromic deafness 6. Identifiers: Orphanet 90635, MedGen C1833021, MONDO:0010963, OMIM 600965.
Type 2 diabetes mellitus. Also called: Type II diabetes mellitus. Identifiers: MedGen C0011860, MeSH D003924, MONDO:0005148, OMIM 125853, HP:0005978.
Wolfram syndrome 1 (WFS1). Identifiers: Orphanet 3463, MedGen C4551693, MONDO:0009101, OMIM 222300.

Allele frequency attached by ClinVar (database versions not stated): TOPMed below 0.00001.
gnomAD v4.1: 2 of 1,583,882 alleles (0.00013%); highest among the groups gnomAD compares: Non-Finnish European, 0.000086%; no homozygotes.

Submissions (2):

Labcorp Genetics (formerly Invitae), Labcorp
Classification: Uncertain significance. Last evaluated: 2024-04-02. Review status: criteria provided, single submitter. Criteria: Invitae Variant Classification Sherloc (09022015). Collection method: clinical testing. Allele origin: germline.
Comment: This sequence change replaces proline, which is neutral and non-polar, with histidine, which is basic and polar, at codon 41 of the WFS1 protein (p.Pro41His). The frequency data for this variant in the population databases is considered unreliable, as metrics indicate poor data quality at this position in the gnomAD database. This variant has not been reported in the literature in individuals affected with WFS1-related conditions. Advanced modeling of protein sequence and biophysical properties (such as structural, functional, and spatial information, amino acid conservation, physicochemical variation, residue mobility, and thermodynamic stability) performed at Invitae indicates that this missense variant is not expected to disrupt WFS1 protein function with a negative predictive value of 95%. In summary, the available evidence is currently insufficient to determine the role of this variant in disease. Therefore, it has been classified as a Variant of Uncertain Significance.

Fulgent Genetics
Classification: Uncertain significance for Cataract 41; Type 2 diabetes mellitus; Wolfram syndrome 1; Autosomal dominant nonsyndromic hearing loss 6; Wolfram-like syndrome. Last evaluated: 2024-02-02. Review status: criteria provided, single submitter. Criteria: ACMG Guidelines, 2015. Collection method: clinical testing. Allele origin: germline.